The following is an entry in ClinVar:

NC_000015.9:g.(?_48692137)_(48826328_?)del

Gene: FBN1 (fibrillin 1; minus strand). Cytogenetic location: 15q21.1.
Variant type: Deletion.
Identifiers: ClinVar variation 3243740 (VCV003243740.1).

ClinVar aggregate classification (germline): Pathogenic (1 of 4 stars; one submission).

Conditions:
Marfan syndrome (MFS). Also called: MARFAN SYNDROME, TYPE I; Marfan syndrome type 1; Marfan's syndrome; Marfan syndrome, classic; FBN1-Related Marfan Syndrome. Identifiers: Orphanet 284963, Orphanet 558, MedGen C0024796, MONDO:0007947, OMIM 154700.
Familial thoracic aortic aneurysm and aortic dissection (TAAD). Also called: Thoracic aortic aneurysms and dissections. Identifiers: Orphanet 91387, MedGen C4707243, MONDO:0019625.

Submission:

Labcorp Genetics (formerly Invitae), Labcorp
Classification: Pathogenic for Marfan syndrome; Familial thoracic aortic aneurysm and aortic dissection. Last evaluated: 2023-07-18. Review status: criteria provided, single submitter. Criteria: Invitae Variant Classification Sherloc (09022015). Collection method: clinical testing. Allele origin: unknown.
Comment: This variant results in the deletion of part of exon 8 and exons 9-66 (c.811_*11050del) of the FBN1 gene. While this deletion is not anticipated to lead to nonsense mediated decay, it is expected to alter mRNA translation or result in a truncated protein product. For these reasons, this variant has been classified as Pathogenic. This variant disrupts a region of the FBN1 protein in which other variant(s) (p.His2816Pro) have been determined to be pathogenic (Invitae). This suggests that this is a clinically significant region of the protein, and that variants that disrupt it are likely to be disease-causing. A similar copy number variant has been observed in individual(s) with Marfan syndrome (Invitae).